The following is an entry in ClinVar:

NM_004329.3(BMPR1A):c.430_430+55del

Gene: BMPR1A (bone morphogenetic protein receptor type 1A; plus strand). Cytogenetic location: 10q23.2.
Variant type: Deletion.
Coding change: c.430_430+55del on transcript NM_004329.3 (MANE Select); coding-DNA position 430 through 55 bases into the intron after coding-DNA position 430, 56 bases deleted.
Molecular consequence: splice donor variant. On other transcripts: intron variant (1).
Genome position (GRCh38, 1-based): chr10:86,899,890-86,899,945, 56 bases deleted. GRCh37 (hg19): chr10:88,659,647-88,659,702.
Other names: c.430_430+55del (NM_001406562.1, NM_001406568.1, NM_001406567.1 and 22 more transcripts); c.346_346+55del (NM_001406584.1, NM_001406588.1, NM_001406587.1 and 2 more transcripts); c.333+7661_333+7716del (NM_001406589.1).
Identifiers: ClinVar variation 2583586 (VCV002583586.2), dbSNP rs2539491669, ClinGen allele CA2582342710.

ClinVar aggregate classification (germline): Likely pathogenic (1 of 4 stars; one submission).

Conditions:
Juvenile polyposis syndrome (JPS). Identifiers: Orphanet 2929, MedGen C0345893, MONDO:0017380, OMIM 174900.

Submission:

Myriad Genetics, Inc.
Classification: Likely pathogenic for Juvenile polyposis syndrome. Last evaluated: 2023-05-26. Review status: criteria provided, single submitter. Criteria: Myriad Autosomal Dominant, Autosomal Recessive and X-Linked Classification Criteria (2023). Collection method: clinical testing. Allele origin: unknown.
Comment: This variant is considered likely pathogenic. This variant occurs within a consensus splice junction and is predicted to result in abnormal mRNA splicing of either an out-of-frame exon or an in-frame exon necessary for protein stability and/or normal function.